The following is an entry in ClinVar:

ClinVar aggregate classification (germline): Uncertain significance (1 of 4 stars; one submission).

Conditions:
Hereditary cancer-predisposing syndrome. Also called: Neoplastic Syndromes, Hereditary; Tumor predisposition; Hereditary Cancer Syndrome; Hereditary neoplastic syndrome. Identifiers: Orphanet 140162, MedGen C0027672, MeSH D009386, MONDO:0015356.

Submission:

Ambry Genetics
Classification: Uncertain significance for Hereditary cancer-predisposing syndrome. Last evaluated: 2019-03-18. Review status: criteria provided, single submitter. Criteria: Ambry Variant Classification Scheme 2023. Collection method: clinical testing. Allele origin: germline.
Comment: The p.T529S variant (also known as c.1585A>T), located in coding exon 14 of the FANCC gene, results from an A to T substitution at nucleotide position 1585. The threonine at codon 529 is replaced by serine, an amino acid with similar properties. This amino acid position is well conserved in available vertebrate species. In addition, this alteration is predicted to be tolerated by in silico analysis. Since supporting evidence is limited at this time, the clinical significance of this alteration remains unclear.

NM_000136.3(FANCC):c.1585A>T (p.Thr529Ser)

Genes: AOPEP (aminopeptidase O (putative); plus strand), FANCC (FA complementation group C; minus strand). Cytogenetic location: 9q22.32.
Variant type: single nucleotide variant.
Coding change: c.1585A>T on transcript NM_000136.3 (MANE Select); coding-DNA position 1585, A replaced by T.
Protein change: p.Thr529Ser; replaces threonine 529 with serine.
Molecular consequence: missense variant.
Genome position (GRCh38, 1-based): chr9:95,101,799, T>A on the plus strand (A>T on the coding strand, the complement: FANCC is on the minus strand). VCF-style: chr9-95101799-T-A. GRCh37 (hg19) VCF-style: chr9-97864081-T-A.
Other names: c.1585A>T, p.Thr529Ser (NM_001243743.2); short protein forms T529S.
Identifiers: ClinVar variation 819602 (VCV000819602.4), dbSNP rs587778326, ClinGen allele CA374104614.